The following is an entry in ClinVar:

ClinVar aggregate classification (germline): Uncertain significance (1 of 4 stars; one submission).

Conditions:
Epileptic encephalopathy. Identifiers: MedGen C0543888, HP:0200134.

Allele frequency attached by ClinVar (database versions not stated): ExAC 0.00001; gnomAD 0.00001; gnomAD exomes 0.00001; TOPMed 0.00001.
gnomAD v4.1: 14 of 1,609,964 alleles (0.00087%); highest among the groups gnomAD compares: Admixed American, 0.0033%; no homozygotes.

Submission:

Labcorp Genetics (formerly Invitae), Labcorp
Classification: Uncertain significance for Epileptic encephalopathy. Last evaluated: 2023-07-17. Review status: criteria provided, single submitter. Criteria: Invitae Variant Classification Sherloc (09022015). Collection method: clinical testing. Allele origin: germline.
Comment: In summary, the available evidence is currently insufficient to determine the role of this variant in disease. Therefore, it has been classified as a Variant of Uncertain Significance. An algorithm developed to predict the effect of missense changes on protein structure and function (PolyPhen-2) suggests that this variant is likely to be disruptive. ClinVar contains an entry for this variant (Variation ID: 1036673). This variant has not been reported in the literature in individuals affected with FASN-related conditions. This variant is present in population databases (rs774038785, gnomAD 0.003%). This sequence change replaces arginine, which is basic and polar, with tryptophan, which is neutral and slightly polar, at codon 1953 of the FASN protein (p.Arg1953Trp).

NM_004104.5(FASN):c.5857C>T (p.Arg1953Trp)

Gene: FASN (fatty acid synthase; minus strand). Cytogenetic location: 17q25.3.
Variant type: single nucleotide variant.
Coding change: c.5857C>T on transcript NM_004104.5 (MANE Select); coding-DNA position 5857, C replaced by T.
Protein change: p.Arg1953Trp; replaces arginine 1953 with tryptophan.
Molecular consequence: missense variant.
Genome position (GRCh38, 1-based): chr17:82,082,589, G>A on the plus strand (C>T on the coding strand, the complement: FASN is on the minus strand). VCF-style: chr17-82082589-G-A. GRCh37 (hg19) VCF-style: chr17-80040465-G-A.
Other names: short protein forms R1953W.
Identifiers: ClinVar variation 1036673 (VCV001036673.8), dbSNP rs774038785, ClinGen allele CA8851532.
Genomic context (GRCh38, chr17:82,082,589, plus strand): 5'-CGGCCAGGTTGAAGACGCCGCCCACGGGCCCAAGCTGCGCCGCCTCGGCAATGAGGCCCC[G>A]GGCCCCCTCCAGTGAGCTGATGTTGCTGGTGGACACCTGCACCTGTACGCCCTGGCGCCT-3'
Protein context (NP_004095.4, residues 1943-1963): TSNISSLEGA[Arg1953Trp]GLIAEAAQLG